The following is an entry in ClinVar:

ClinVar aggregate classification (germline): Uncertain significance (1 of 4 stars; one submission).

gnomAD v4.1: 9 of 1,211,502 alleles (0.00074%); highest among the groups gnomAD compares: Non-Finnish European, 0.00089%; no homozygotes.

Submission:

GeneDx
Classification: Uncertain significance. Last evaluated: 2025-04-04. Review status: criteria provided, single submitter. Criteria: GeneDx Variant Classification Process June 2021. Collection method: clinical testing. Allele origin: germline. Affected: yes.
Comment: Not observed at significant frequency in large population cohorts (gnomAD); In silico analysis indicates that this missense variant does not alter protein structure/function; Has not been previously published as pathogenic or benign to our knowledge

NM_001448.3(GPC4):c.1406G>A (p.Arg469Gln)

Gene: GPC4 (glypican 4; minus strand). Cytogenetic location: Xq26.2.
Variant type: single nucleotide variant.
Coding change: c.1406G>A on transcript NM_001448.3 (MANE Select); coding-DNA position 1406, G replaced by A.
Protein change: p.Arg469Gln; replaces arginine 469 with glutamine.
Molecular consequence: missense variant.
Genome position (GRCh38, 1-based): chrX:133,303,228, C>T on the plus strand (G>A on the coding strand, the complement: GPC4 is on the minus strand). VCF-style: chrX-133303228-C-T. GRCh37 (hg19) VCF-style: chrX-132437256-C-T.
Other names: short protein forms R469Q.
Identifiers: ClinVar variation 4278536 (VCV004278536.1).